The following is an entry in ClinVar:

ClinVar aggregate classification (germline): Uncertain significance (1 of 4 stars; one submission).

Conditions:
Hereditary cancer-predisposing syndrome. Also called: Hereditary Cancer Syndrome; Hereditary neoplastic syndrome; Neoplastic Syndromes, Hereditary; Tumor predisposition. Identifiers: Orphanet 140162, MedGen C0027672, MeSH D009386, MONDO:0015356.

Submission:

Ambry Genetics
Classification: Uncertain significance for Hereditary cancer-predisposing syndrome. Last evaluated: 2022-04-08. Review status: criteria provided, single submitter. Criteria: Ambry Variant Classification Scheme 2023. Collection method: clinical testing. Allele origin: germline.
Comment: The p.K141E variant (also known as c.421A>G), located in coding exon 4 of the BRIP1 gene, results from an A to G substitution at nucleotide position 421. The lysine at codon 141 is replaced by glutamic acid, an amino acid with similar properties. This amino acid position is conserved. In addition, the in silico prediction for this alteration is inconclusive. Since supporting evidence is limited at this time, the clinical significance of this alteration remains unclear.

NM_032043.3(BRIP1):c.421A>G (p.Lys141Glu)

Gene: BRIP1 (BRCA1 interacting DNA helicase 1; minus strand). Cytogenetic location: 17q23.2.
Variant type: single nucleotide variant.
Coding change: c.421A>G on transcript NM_032043.3 (MANE Select); coding-DNA position 421, A replaced by G.
Protein change: p.Lys141Glu; replaces lysine 141 with glutamic acid.
Molecular consequence: missense variant.
Genome position (GRCh38, 1-based): chr17:61,849,215, T>C on the plus strand (A>G on the coding strand, the complement: BRIP1 is on the minus strand). VCF-style: chr17-61849215-T-C. GRCh37 (hg19) VCF-style: chr17-59926576-T-C.
Other names: short protein forms K141E.
Identifiers: ClinVar variation 1738803 (VCV001738803.2), dbSNP rs2145765079, ClinGen allele CA400484537.